The following is an entry in ClinVar:

ClinVar aggregate classification (germline): Uncertain significance (1 of 4 stars; one submission).

gnomAD v4.1: 5 of 1,498,132 alleles (0.00033%); highest among the groups gnomAD compares: Non-Finnish European, 0.00044%; no homozygotes.

Submission:

Ambry Genetics
Classification: Uncertain significance. Last evaluated: 2023-03-04. Review status: criteria provided, single submitter. Criteria: Ambry Variant Classification Scheme 2023. Collection method: clinical testing. Allele origin: germline.
Comment: The p.A2V variant (also known as c.5C>T), located in coding exon 1 of the PRKDC gene, results from a C to T substitution at nucleotide position 5. The alanine at codon 2 is replaced by valine, an amino acid with similar properties. This amino acid position is conserved. In addition, this alteration is predicted to be tolerated by in silico analysis. Since supporting evidence is limited at this time, the clinical significance of this alteration remains unclear.

NM_006904.7(PRKDC):c.5C>T (p.Ala2Val)

Genes: PRKDC (protein kinase, DNA-activated, catalytic subunit; minus strand), LOC129929030 (ATAC-STARR-seq lymphoblastoid silent region 19177; plus strand). Cytogenetic location: 8q11.21.
Variant type: single nucleotide variant.
Coding change: c.5C>T on transcript NM_006904.7 (MANE Select); coding-DNA position 5, C replaced by T.
Protein change: p.Ala2Val; replaces alanine 2 with valine.
Molecular consequence: missense variant.
Genome position (GRCh38, 1-based): chr8:47,960,122, G>A on the plus strand (C>T on the coding strand, the complement: PRKDC is on the minus strand). VCF-style: chr8-47960122-G-A. GRCh37 (hg19) VCF-style: chr8-48872682-G-A.
Other names: c.5C>T, p.Ala2Val (NM_001081640.2); short protein forms A2V.
Identifiers: ClinVar variation 2497429 (VCV002497429.2), dbSNP rs778580500, ClinGen allele CA371143158.